The following is an entry in ClinVar:

ClinVar aggregate classification (germline): Uncertain significance (1 of 4 stars; one submission).

Allele frequency attached by ClinVar (database versions not stated): ESP Exome Variant Server 0.00046.
gnomAD v4.1: 563 of 1,612,810 alleles (0.035%); highest among the groups gnomAD compares: Non-Finnish European, 0.044%; 1 homozygote.

Submission:

Labcorp Genetics (formerly Invitae), Labcorp
Classification: Uncertain significance. Last evaluated: 2025-12-17. Review status: criteria provided, single submitter. Criteria: Invitae Variant Classification Sherloc (09022015). Collection method: clinical testing. Allele origin: germline.
Comment: This sequence change replaces arginine, which is basic and polar, with cysteine, which is neutral and slightly polar, at codon 323 of the ADGRE2 protein (p.Arg323Cys). This variant is present in population databases (rs200037098, gnomAD 0.03%). This variant has not been reported in the literature in individuals affected with ADGRE2-related conditions. ClinVar contains an entry for this variant (Variation ID: 2057193). An algorithm developed to predict the effect of missense changes on protein structure and function (PolyPhen-2) suggests that this variant is likely to be disruptive. In summary, the available evidence is currently insufficient to determine the role of this variant in disease. Therefore, it has been classified as a Variant of Uncertain Significance.

NM_013447.4(ADGRE2):c.967C>T (p.Arg323Cys)

Gene: ADGRE2 (adhesion G protein-coupled receptor E2; minus strand). Cytogenetic location: 19p13.12.
Variant type: single nucleotide variant.
Coding change: c.967C>T on transcript NM_013447.4 (MANE Select); coding-DNA position 967, C replaced by T.
Protein change: p.Arg323Cys; replaces arginine 323 with cysteine.
Molecular consequence: missense variant.
Genome position (GRCh38, 1-based): chr19:14,764,550, G>A on the plus strand (C>T on the coding strand, the complement: ADGRE2 is on the minus strand). VCF-style: chr19-14764550-G-A. GRCh37 (hg19) VCF-style: chr19-14875362-G-A.
Other names: c.967C>T, p.Arg323Cys (NM_001271052.1); c.820C>T, p.Arg274Cys (NM_152916.2); c.688C>T, p.Arg230Cys (NM_152917.2); short protein forms R230C, R274C, R323C.
Identifiers: ClinVar variation 2057193 (VCV002057193.4), dbSNP rs200037098, ClinGen allele CA9257833.